The following is an entry in ClinVar:

ClinVar aggregate classification (germline): Benign/Likely benign. Review status: criteria provided, multiple submitters, no conflicts (2 of 4 stars). 3 submissions from 3 submitters: Benign (1); Likely benign (2). Last evaluated 2026-01-04.

Allele frequency attached by ClinVar (database versions not stated): gnomAD exomes 0.00009 and 0.00018; ExAC 0.00026; gnomAD 0.00073 and 0.00077; TOPMed 0.00075; ESP Exome Variant Server 0.00077; 1000 Genomes Project 0.00300; 1000 Genomes Project 30x 0.00312.
gnomAD v4.1: 269 of 1,614,124 alleles (0.017%); highest among the groups gnomAD compares: African/African-American, 0.3%; 2 homozygotes.

Submissions (5):

Labcorp Genetics (formerly Invitae), Labcorp
Classification: Benign. Last evaluated: 2026-01-04. Review status: criteria provided, single submitter. Criteria: Invitae Variant Classification Sherloc (09022015). Collection method: clinical testing. Allele origin: germline.

Blueprint Genetics
Classification: Likely benign. Last evaluated: 2024-05-09. Review status: criteria provided, single submitter. Criteria: ACMG Guidelines, 2015. Collection method: clinical testing. Allele origin: germline.

CeGaT Center for Human Genetics Tuebingen
Classification: Likely benign. Last evaluated: 2022-06-01. Review status: criteria provided, single submitter. Criteria: CeGaT Center For Human Genetics Tuebingen Variant Classification Criteria Version 2. Collection method: clinical testing. Allele origin: germline. Affected: yes. Observed: 1 variant allele.
Comment: LTBP2: BP4, BP7

Dr. Peter K. Rogan Lab, Western University
No classification provided (evidence only). Condition: Gastric cancer. Review status: no classification provided. Collection method: in vitro. Allele origin: not applicable. Functional consequence: retained intron. Not counted in ClinVar's aggregate classification.

Dr. Peter K. Rogan Lab, Western University
No classification provided (evidence only). Condition: Gastric cancer. Review status: no classification provided. Collection method: in vitro. Allele origin: not applicable. Functional consequence: retained intron. Not counted in ClinVar's aggregate classification.

NM_000428.3(LTBP2):c.1797G>A (p.Pro599=)

Gene: LTBP2 (latent transforming growth factor beta binding protein 2; minus strand). Cytogenetic location: 14q24.3.
Variant type: single nucleotide variant.
Coding change: c.1797G>A on transcript NM_000428.3 (MANE Select); coding-DNA position 1797, G replaced by A.
Protein change: p.Pro599=; no amino-acid change (proline 599 retained).
Molecular consequence: synonymous variant.
Genome position (GRCh38, 1-based): chr14:74,535,993, C>T on the plus strand (G>A on the coding strand, the complement: LTBP2 is on the minus strand). VCF-style: chr14-74535993-C-T. GRCh37 (hg19) VCF-style: chr14-75002696-C-T.
Identifiers: ClinVar variation 740495 (VCV000740495.35), dbSNP rs144293300, ClinGen allele CA7269759.
Genomic context (GRCh38, chr14:74,535,993, plus strand): 5'-GTGAGTGAGGTTCAGTCTCTTGTACCCCTGAGGACACTCCAGCTGGCCATTCTCAATCAC[C>T]GGGGAGGCTGAAGAGTGGAGATACGGACAGGTCTCACTGGACGGCCCCTGGGCTCCTCTG-3'
Protein context (NP_000419.1, residues 589-609): CAPCPPRPAS[Pro599=]VIENGQLECP